The following is an entry in ClinVar:

ClinVar aggregate classification (germline): Likely benign. Review status: criteria provided, multiple submitters, no conflicts (2 of 4 stars). 2 submissions from 2 submitters: Likely benign (2). Last evaluated 2023-07-29.

Conditions:
Tuberous sclerosis 1 (TSC1). Identifiers: Orphanet 805, MedGen C1854465, MONDO:0008612, OMIM 191100.

Allele frequency attached by ClinVar (database versions not stated): gnomAD exomes below 0.00001; gnomAD 0.00001.

Submissions (2):

Labcorp Genetics (formerly Invitae), Labcorp
Classification: Likely benign for Tuberous sclerosis 1. Last evaluated: 2023-07-29. Review status: criteria provided, single submitter. Criteria: Invitae Variant Classification Sherloc (09022015). Collection method: clinical testing. Allele origin: germline.

GeneDx
Classification: Likely benign. Last evaluated: 2018-02-21. Review status: criteria provided, single submitter. Criteria: GeneDx Variant Classification (06012015). Collection method: clinical testing. Allele origin: germline. Affected: yes.
Comment: This variant is considered likely benign or benign based on one or more of the following criteria: it is a conservative change, it occurs at a poorly conserved position in the protein, it is predicted to be benign by multiple in silico algorithms, and/or has population frequency not consistent with disease.

NM_000368.5(TSC1):c.2209-14C>T

Gene: TSC1 (TSC complex subunit 1; minus strand). Cytogenetic location: 9q34.13.
Variant type: single nucleotide variant.
Coding change: c.2209-14C>T on transcript NM_000368.5 (MANE Select); 14 bases into the intron before coding-DNA position 2209, C replaced by T.
Molecular consequence: intron variant.
Genome position (GRCh38, 1-based): chr9:132,902,801, G>A on the plus strand (C>T on the coding strand, the complement: TSC1 is on the minus strand). VCF-style: chr9-132902801-G-A. GRCh37 (hg19) VCF-style: chr9-135778188-G-A.
Other names: c.1846-14C>T (NM_001362177.2); c.2056-14C>T (NM_001162427.2); c.2206-14C>T (NM_001162426.2).
Identifiers: ClinVar variation 515558 (VCV000515558.5), dbSNP rs1554815062, ClinGen allele CA658797313.
Genomic context (GRCh38, chr9:132,902,801, plus strand): 5'-ACCTTCCACATCTGGATGTCCTTCTCTTGTAACTTCAACTGATCTTTCTAGCAGAGACCA[G>A]AAATGTCATCATTTTAGCTGTCTTCCAACACAGGCAATTTAACACACACTGCGAACATTT-3'